The following is an entry in ClinVar:

ClinVar aggregate classification (germline): Uncertain significance (1 of 4 stars; one submission).

gnomAD v4.1: 1 of 1,612,700 alleles (0.000062%); highest among the groups gnomAD compares: Non-Finnish European, 0.000085%; no homozygotes.

Submission:

Labcorp Genetics (formerly Invitae), Labcorp
Classification: Uncertain significance. Last evaluated: 2024-02-11. Review status: criteria provided, single submitter. Criteria: Invitae Variant Classification Sherloc (09022015). Collection method: clinical testing. Allele origin: germline.
Comment: This sequence change replaces tyrosine, which is neutral and polar, with cysteine, which is neutral and slightly polar, at codon 2361 of the HMCN1 protein (p.Tyr2361Cys). This variant is not present in population databases (gnomAD no frequency). This variant has not been reported in the literature in individuals affected with HMCN1-related conditions. An algorithm developed to predict the effect of missense changes on protein structure and function (PolyPhen-2) suggests that this variant is likely to be disruptive. In summary, the available evidence is currently insufficient to determine the role of this variant in disease. Therefore, it has been classified as a Variant of Uncertain Significance.

NM_031935.3(HMCN1):c.7082A>G (p.Tyr2361Cys)

Gene: HMCN1 (hemicentin 1; plus strand). Cytogenetic location: 1q31.1.
Variant type: single nucleotide variant.
Coding change: c.7082A>G on transcript NM_031935.3 (MANE Select); coding-DNA position 7082, A replaced by G.
Protein change: p.Tyr2361Cys; replaces tyrosine 2361 with cysteine.
Molecular consequence: missense variant.
Genome position (GRCh38, 1-based): chr1:186,055,612, A>G. VCF-style: chr1-186055612-A-G. GRCh37 (hg19) VCF-style: chr1-186024744-A-G.
Other names: short protein forms Y2361C.
Identifiers: ClinVar variation 3692693 (VCV003692693.2).
Genomic context (GRCh38, chr1:186,055,612, plus strand): 5'-TACTGGATGAAGGTCACATCCTTCAGCTGAAGAACATTCATGTATCTGACACAGGCCGTT[A>G]TGTGTGTGTTGCTGTGAATGTAGCAGGAATGACTGACAAAAAATATGACTTAAGTGTCCA-3'
Protein context (NP_114141.2, residues 2351-2371): KNIHVSDTGR[Tyr2361Cys]VCVAVNVAGM